The following is an entry in ClinVar:

NM_005591.4(MRE11):c.932A>G (p.Asp311Gly)

Gene: MRE11 (MRE11 double strand break repair nuclease; minus strand). Cytogenetic location: 11q21.
Variant type: single nucleotide variant.
Coding change: c.932A>G on transcript NM_005591.4 (MANE Select); coding-DNA position 932, A replaced by G.
Protein change: p.Asp311Gly; replaces aspartic acid 311 with glycine.
Molecular consequence: missense variant.
Genome position (GRCh38, 1-based): chr11:94,470,556, T>C on the plus strand (A>G on the coding strand, the complement: MRE11 is on the minus strand). VCF-style: chr11-94470556-T-C. GRCh37 (hg19) VCF-style: chr11-94203722-T-C.
Other names: c.932A>G (NM_005591.3); c.932A>G, p.Asp311Gly (NM_001330347.2, NM_005590.4); short protein forms D311G.
Identifiers: ClinVar variation 1681598 (VCV001681598.9), dbSNP rs2135039602, ClinGen allele CA382374420.

ClinVar aggregate classification (germline): Uncertain significance. Review status: criteria provided, multiple submitters, no conflicts (2 of 4 stars). 2 submissions from 2 submitters: Uncertain significance (2). Last evaluated 2024-06-21.

Conditions:
Ataxia-telangiectasia-like disorder (ATLD). Identifiers: MedGen C1858391, MONDO:0011457.
Hereditary cancer-predisposing syndrome. Also called: Hereditary neoplastic syndrome; Neoplastic Syndromes, Hereditary; Tumor predisposition; Hereditary Cancer Syndrome. Identifiers: Orphanet 140162, MedGen C0027672, MeSH D009386, MONDO:0015356.

Submissions (2):

Ambry Genetics
Classification: Uncertain significance for Hereditary cancer-predisposing syndrome. Last evaluated: 2024-06-21. Review status: criteria provided, single submitter. Criteria: Ambry Variant Classification Scheme 2023. Collection method: clinical testing. Allele origin: germline.
Comment: The p.D311G variant (also known as c.932A>G), located in coding exon 8 of the MRE11A gene, results from an A to G substitution at nucleotide position 932. The aspartic acid at codon 311 is replaced by glycine, an amino acid with similar properties. This amino acid position is conserved. In addition, this alteration is predicted to be deleterious by in silico analysis. Based on the available evidence, the clinical significance of this variant remains unclear.

Labcorp Genetics (formerly Invitae), Labcorp
Classification: Uncertain significance for Ataxia-telangiectasia-like disorder. Last evaluated: 2021-07-13. Review status: criteria provided, single submitter. Criteria: Invitae Variant Classification Sherloc (09022015). Collection method: clinical testing. Allele origin: germline.
Comment: This variant is not present in population databases (ExAC no frequency). This variant has not been reported in the literature in individuals affected with MRE11-related conditions. This sequence change replaces aspartic acid with glycine at codon 311 of the MRE11 protein (p.Asp311Gly). The aspartic acid residue is moderately conserved and there is a moderate physicochemical difference between aspartic acid and glycine. In summary, the available evidence is currently insufficient to determine the role of this variant in disease. Therefore, it has been classified as a Variant of Uncertain Significance. Algorithms developed to predict the effect of sequence changes on RNA splicing suggest that this variant may create or strengthen a splice site. Algorithms developed to predict the effect of missense changes on protein structure and function are either unavailable or do not agree on the potential impact of this missense change (SIFT: "Deleterious"; PolyPhen-2: "Probably Damaging"; Align-GVGD: "Class C0").